The following is an entry in ClinVar:

ClinVar aggregate classification (germline): Uncertain significance. Review status: criteria provided, multiple submitters, no conflicts (2 of 4 stars). 2 submissions from 2 submitters: Uncertain significance (2). Last evaluated 2026-05-10.

Conditions:
Inborn genetic diseases. Identifiers: MedGen C0950123, MeSH D030342.
Neurodevelopmental disorder with or without seizures and gait abnormalities. Identifiers: MedGen C4693391, MONDO:0060641, OMIM 617864.

Submissions (2):

Ambry Genetics
Classification: Uncertain significance for Inborn genetic diseases. Last evaluated: 2026-05-10. Review status: criteria provided, single submitter. Criteria: Ambry Variant Classification Scheme 2023. Collection method: clinical testing. Allele origin: germline.

Juno Genomics, Hangzhou Juno Genomics, Inc
Classification: Uncertain significance for Neurodevelopmental disorder with or without seizures and gait abnormalities. Review status: criteria provided, single submitter. Criteria: ACMG Guidelines, 2015. Collection method: clinical testing. Allele origin: germline. Affected: yes.
Comment: Absent from controls (or at extremely low frequency if recessive) in Genome Aggregation Database, Exome Sequencing Project, 1000 Genomes Project, or Exome Aggregation Consortium.;Multiple lines of computational evidence support a deleterious effect on the gene or gene product (conservation, evolutionary, splicing impact, etc).;Missense variant in a gene that has a low rate of benign missense variation and where missense variants are a common mechanism of disease.

NM_000829.4(GRIA4):c.1102C>T (p.Arg368Cys)

Gene: GRIA4 (glutamate ionotropic receptor AMPA type subunit 4; plus strand). Cytogenetic location: 11q22.3.
Variant type: single nucleotide variant.
Coding change: c.1102C>T on transcript NM_000829.4 (MANE Select); coding-DNA position 1102, C replaced by T.
Protein change: p.Arg368Cys; replaces arginine 368 with cysteine.
Molecular consequence: missense variant. On other transcripts: non-coding transcript variant (1).
Genome position (GRCh38, 1-based): chr11:105,905,245, C>T. VCF-style: chr11-105905245-C-T. GRCh37 (hg19) VCF-style: chr11-105775971-C-T.
Other names: c.1102C>T (NM_000829.3); c.1102C>T, p.Arg368Cys (NM_001077243.3, NM_001077244.2, NM_001112812.2); short protein forms R368C.
Identifiers: ClinVar variation 3382381 (VCV003382381.3).
Genomic context (GRCh38, chr11:105,905,245, plus strand): 5'-TTTTTCACTTAGGTTCGAATTCAAGGGCTGACAGGGAATGTTCAGTTTGACCACTATGGA[C>T]GTAGAGTCAATTACACAATGGATGTGTTTGAGCTGAAAAGCACAGGACCTAGAAAGGTGA-3'
Protein context (NP_000820.4, residues 358-378): TGNVQFDHYG[Arg368Cys]RVNYTMDVFE